The following is an entry in ClinVar:

NM_006947.4(SRP72):c.*1313C>G

Gene: SRP72 (signal recognition particle 72; plus strand). Cytogenetic location: 4q12.
Variant type: single nucleotide variant.
Coding change: c.*1313C>G on transcript NM_006947.4 (MANE Select); 1313 bases downstream of the stop codon, C replaced by G.
Molecular consequence: 3 prime UTR variant. On other transcripts: non-coding transcript variant (1).
Genome position (GRCh38, 1-based): chr4:56,503,174, C>G. VCF-style: chr4-56503174-C-G. GRCh37 (hg19) VCF-style: chr4-57369340-C-G.
Other names: c.*1313C>G (NM_001267722.2).
Identifiers: ClinVar variation 349160 (VCV000349160.6), dbSNP rs113719942, ClinGen allele CA10621350.
Genomic context (GRCh38, chr4:56,503,174, plus strand): 5'-CAAAGAGTTTTTTATGAAAGACTTTCCTCCTTTACAAGAAAGAAATGGGGTGCTGCCTTT[C>G]TGTTTAGTAAAAGCAGAATTTGCAGTGGCATCTAAAGAGATCTTTTTTAAATAAAAATTA-3'

ClinVar aggregate classification (germline): Benign. Review status: criteria provided, multiple submitters, no conflicts (2 of 4 stars). 2 submissions from 2 submitters: Benign (2). Last evaluated 2018-01-12.

Conditions:
Autosomal dominant aplasia and myelodysplasia. Also called: Bone marrow failure syndrome 1. Identifiers: Orphanet 314399, MedGen C3808553, MONDO:0013851, OMIM 614675.

Allele frequency attached by ClinVar (database versions not stated): 1000 Genomes Project 0.03974; 1000 Genomes Project 30x 0.04091; TOPMed 0.05829; gnomAD 0.06277 and 0.06349.

Submissions (2):

Illumina Laboratory Services, Illumina
Classification: Benign for Autosomal dominant aplasia and myelodysplasia. Last evaluated: 2018-01-12. Review status: criteria provided, single submitter. Criteria: ICSL Variant Classification Criteria 13 December 2019. Collection method: clinical testing. Allele origin: germline.
Comment: This variant was observed in the ICSL laboratory as part of a predisposition screen in an ostensibly healthy population. It had not been previously curated by ICSL or reported in the Human Gene Mutation Database (HGMD: prior to June 1st, 2018), and was therefore a candidate for classification through an automated scoring system. Utilizing variant allele frequency, disease prevalence and penetrance estimates, and inheritance mode, an automated score was calculated to assess if this variant is too frequent to cause the disease. Based on the score and internal cut-off values, a variant classified as benign is not then subjected to further curation. The score for this variant resulted in a classification of benign for this disease.

Breakthrough Genomics
Classification: Benign. Review status: criteria provided, single submitter. Criteria: ACMG Guidelines, 2015. Collection method: not provided. Allele origin: germline. Inheritance: Autosomal dominant inheritance. Affected: yes.